The following is an entry in ClinVar:

ClinVar aggregate classification (germline): Uncertain significance. Review status: criteria provided, multiple submitters, no conflicts (2 of 4 stars). 3 submissions from 3 submitters: Uncertain significance (3). Last evaluated 2026-01-14.

Conditions:
Inborn genetic diseases. Identifiers: MedGen C0950123, MeSH D030342.

Submissions (3):

Ambry Genetics
Classification: Uncertain significance for Inborn genetic diseases. Last evaluated: 2026-01-14. Review status: criteria provided, single submitter. Criteria: Ambry Variant Classification Scheme 2023. Collection method: clinical testing. Allele origin: germline.

Labcorp Genetics (formerly Invitae), Labcorp
Classification: Uncertain significance. Last evaluated: 2024-08-28. Review status: criteria provided, single submitter. Criteria: Invitae Variant Classification Sherloc (09022015). Collection method: clinical testing. Allele origin: germline.
Comment: This sequence change replaces arginine, which is basic and polar, with cysteine, which is neutral and slightly polar, at codon 330 of the ATP6AP1 protein (p.Arg330Cys). This variant is present in population databases (rs375162515, gnomAD 0.01%), including at least one homozygous and/or hemizygous individual. This variant has not been reported in the literature in individuals affected with ATP6AP1-related conditions. Invitae Evidence Modeling of protein sequence and biophysical properties (such as structural, functional, and spatial information, amino acid conservation, physicochemical variation, residue mobility, and thermodynamic stability) has been performed for this missense variant. However, the output from this modeling did not meet the statistical confidence thresholds required to predict the impact of this variant on ATP6AP1 protein function. In summary, the available evidence is currently insufficient to determine the role of this variant in disease. Therefore, it has been classified as a Variant of Uncertain Significance.

Blueprint Genetics
Classification: Uncertain significance. Last evaluated: 2022-05-31. Review status: criteria provided, single submitter. Criteria: ACMG Guidelines, 2015. Collection method: clinical testing. Allele origin: germline.

NM_001183.6(ATP6AP1):c.988C>T (p.Arg330Cys)

Gene: ATP6AP1 (ATPase H+ transporting accessory protein 1; plus strand). Cytogenetic location: Xq28.
Variant type: single nucleotide variant.
Coding change: c.988C>T on transcript NM_001183.6 (MANE Select); coding-DNA position 988, C replaced by T.
Protein change: p.Arg330Cys; replaces arginine 330 with cysteine.
Molecular consequence: missense variant.
Genome position (GRCh38, 1-based): chrX:154,435,290, C>T. VCF-style: chrX-154435290-C-T. GRCh37 (hg19) VCF-style: chrX-153663636-C-T.
Other names: c.988C>T (NM_001183.4); short protein forms R330C.
Identifiers: ClinVar variation 3714196 (VCV003714196.4).
Genomic context (GRCh38, chrX:154,435,290, plus strand): 5'-CCCAGCCTCCCCAGCTCACCTGACATCCCTGCCACCTTCCCCAGGTTCATTCTGGCCAAC[C>T]GCCTCTACCCAGTGTCTGCCCGGCACTGGTTTACCATGGAGCGCCTCGAAGTCCACAGCA-3'
Protein context (NP_001174.2, residues 320-340): TVTFKFILAN[Arg330Cys]LYPVSARHWF